The following is an entry in ClinVar:

NM_001007527.2(LMBRD2):c.860T>C (p.Met287Thr)

Gene: LMBRD2 (LMBR1 domain containing 2; minus strand). Cytogenetic location: 5p13.2.
Variant type: single nucleotide variant.
Coding change: c.860T>C on transcript NM_001007527.2 (MANE Select); coding-DNA position 860, T replaced by C.
Protein change: p.Met287Thr; replaces methionine 287 with threonine.
Molecular consequence: missense variant.
Genome position (GRCh38, 1-based): chr5:36,122,924, A>G on the plus strand (T>C on the coding strand, the complement: LMBRD2 is on the minus strand). VCF-style: chr5-36122924-A-G. GRCh37 (hg19) VCF-style: chr5-36123026-A-G.
Other names: short protein forms M287T.
Identifiers: ClinVar variation 3900137 (VCV003900137.1).

ClinVar aggregate classification (germline): Uncertain significance (1 of 4 stars; one submission).

Submission:

GeneDx
Classification: Uncertain significance. Last evaluated: 2024-11-22. Review status: criteria provided, single submitter. Criteria: GeneDx Variant Classification Process June 2021. Collection method: clinical testing. Allele origin: germline. Affected: yes.
Comment: Not observed at significant frequency in large population cohorts (gnomAD); In silico analysis indicates that this missense variant does not alter protein structure/function; Has not been previously published as pathogenic or benign to our knowledge